The following is an entry in ClinVar:

NM_024589.3(ROGDI):c.692T>C (p.Met231Thr)

Gene: ROGDI (rogdi atypical leucine zipper; minus strand). Cytogenetic location: 16p13.3.
Variant type: single nucleotide variant.
Coding change: c.692T>C on transcript NM_024589.3 (MANE Select); coding-DNA position 692, T replaced by C.
Protein change: p.Met231Thr; replaces methionine 231 with threonine.
Molecular consequence: missense variant. On other transcripts: non-coding transcript variant (1).
Genome position (GRCh38, 1-based): chr16:4,797,941, A>G on the plus strand (T>C on the coding strand, the complement: ROGDI is on the minus strand). VCF-style: chr16-4797941-A-G. GRCh37 (hg19) VCF-style: chr16-4847942-A-G.
Other names: short protein forms M231T.
Identifiers: ClinVar variation 1043208 (VCV001043208.7), dbSNP rs1437175362, ClinGen allele CA394649350.

ClinVar aggregate classification (germline): Uncertain significance (1 of 4 stars; one submission).

Conditions:
Amelocerebrohypohidrotic syndrome (KTZS). Also called: KOHLSCHUTTER SYNDROME; EPILEPSY AND YELLOW TEETH; EPILEPSY, DEMENTIA, AND AMELOGENESIS IMPERFECTA; Kohlschutter's syndrome. Identifiers: Orphanet 1946, MedGen C0406740, MONDO:0009185, OMIM 226750.

Allele frequency attached by ClinVar (database versions not stated): gnomAD exomes below 0.00001; TOPMed below 0.00001.
gnomAD v4.1: 1 of 1,600,308 alleles (0.000062%); highest among the groups gnomAD compares: Non-Finnish European, 0.000085%; no homozygotes.

Submission:

Labcorp Genetics (formerly Invitae), Labcorp
Classification: Uncertain significance for Amelocerebrohypohidrotic syndrome. Last evaluated: 2022-06-27. Review status: criteria provided, single submitter. Criteria: Invitae Variant Classification Sherloc (09022015). Collection method: clinical testing. Allele origin: germline.
Comment: This sequence change replaces methionine, which is neutral and non-polar, with threonine, which is neutral and polar, at codon 231 of the ROGDI protein (p.Met231Thr). This variant is not present in population databases (gnomAD no frequency). This variant has not been reported in the literature in individuals affected with ROGDI-related conditions. ClinVar contains an entry for this variant (Variation ID: 1043208). Algorithms developed to predict the effect of missense changes on protein structure and function are either unavailable or do not agree on the potential impact of this missense change (SIFT: "Deleterious"; PolyPhen-2: "Possibly Damaging"; Align-GVGD: "Class C0"). In summary, the available evidence is currently insufficient to determine the role of this variant in disease. Therefore, it has been classified as a Variant of Uncertain Significance.